The following is an entry in ClinVar:

ClinVar aggregate classification (germline): Uncertain significance (1 of 4 stars; one submission).

Conditions:
Inborn genetic diseases. Identifiers: MedGen C0950123, MeSH D030342.

gnomAD v4.1: 2 of 1,613,772 alleles (0.00012%); highest among the groups gnomAD compares: Admixed American, 0.0033%; no homozygotes.

Submission:

Ambry Genetics
Classification: Uncertain significance for Inborn genetic diseases. Last evaluated: 2025-12-22. Review status: criteria provided, single submitter. Criteria: Ambry Variant Classification Scheme 2023. Collection method: clinical testing. Allele origin: germline.
Comment: The c.590T>C (p.L197P) alteration is located in exon 4 (coding exon 3) of the SETBP1 gene. This alteration results from a T to C substitution at nucleotide position 590, causing the leucine (L) at amino acid position 197 to be replaced by a proline (P). Based on data from gnomAD, the C allele has an overall frequency of <0.001% (1/250740) total alleles studied. The highest observed frequency was 0.003% (1/34556) of Latino alleles. Based on insufficient or conflicting evidence, the clinical significance of this alteration remains unclear.

NM_015559.3(SETBP1):c.590T>C (p.Leu197Pro)

Gene: SETBP1 (SET binding protein 1; plus strand). Cytogenetic location: 18q12.3.
Variant type: single nucleotide variant.
Coding change: c.590T>C on transcript NM_015559.3 (MANE Select); coding-DNA position 590, T replaced by C.
Protein change: p.Leu197Pro; replaces leucine 197 with proline.
Molecular consequence: missense variant.
Genome position (GRCh38, 1-based): chr18:44,949,930, T>C. VCF-style: chr18-44949930-T-C. GRCh37 (hg19) VCF-style: chr18-42529895-T-C.
Other names: c.590T>C, p.Leu197Pro (NM_001410862.1, NM_001379142.1, NM_001379141.1); short protein forms L197P.
Identifiers: ClinVar variation 4838122 (VCV004838122.1).